The following is an entry in ClinVar:

NM_201596.3(CACNB2):c.667T>A (p.Ser223Thr)

Gene: CACNB2 (calcium voltage-gated channel auxiliary subunit beta 2; plus strand). Cytogenetic location: 10p12.31.
Variant type: single nucleotide variant.
Coding change: c.667T>A on transcript NM_201596.3 (MANE Select); coding-DNA position 667, T replaced by A.
Protein change: p.Ser223Thr; replaces serine 223 with threonine.
Molecular consequence: missense variant.
Genome position (GRCh38, 1-based): chr10:18,506,544, T>A. VCF-style: chr10-18506544-T-A. GRCh37 (hg19) VCF-style: chr10-18795473-T-A.
Other names: c.502T>A, p.Ser168Thr (NM_000724.4, NM_001330060.2); c.583T>A, p.Ser195Thr (NM_001167945.2, NM_201571.4, NM_201572.4); c.523T>A, p.Ser175Thr (NM_201570.3); c.505T>A, p.Ser169Thr (NM_201590.3); c.667T>A, p.Ser223Thr (NM_201593.3, NM_201597.3); short protein forms S169T, S223T, S175T, S168T, S195T.
Identifiers: ClinVar variation 573272 (VCV000573272.1), dbSNP rs1564629335, ClinGen allele CA376059329.

ClinVar aggregate classification (germline): Uncertain significance (1 of 4 stars; one submission).

Conditions:
Brugada syndrome 4 (BRGDA4). Identifiers: Orphanet 130, MedGen C2678477, MONDO:0012743, OMIM 611876.

Allele frequency attached by ClinVar (database versions not stated): gnomAD exomes below 0.00001.
gnomAD v4.1: 1 of 1,573,532 alleles (0.000064%); highest among the groups gnomAD compares: Non-Finnish European, 0.000087%; no homozygotes.

Submission:

Labcorp Genetics (formerly Invitae), Labcorp
Classification: Uncertain significance for Brugada syndrome 4. Last evaluated: 2018-05-12. Review status: criteria provided, single submitter. Criteria: Invitae Variant Classification Sherloc (09022015). Collection method: clinical testing. Allele origin: germline.
Comment: This sequence change replaces serine with threonine at codon 169 of the CACNB2 protein (p.Ser169Thr). The serine residue is highly conserved and there is a small physicochemical difference between serine and threonine. This variant is not present in population databases (ExAC no frequency). This variant has not been reported in the literature in individuals with CACNB2-related disease. Algorithms developed to predict the effect of missense changes on protein structure and function do not agree on the potential impact of this missense change (SIFT: "Tolerated"; PolyPhen-2: "Possibly Damaging"; Align-GVGD: "Class C0"). In summary, the available evidence is currently insufficient to determine the role of this variant in disease. Therefore, it has been classified as a Variant of Uncertain Significance.